The following is an entry in ClinVar:

NM_004655.4(AXIN2):c.2240A>G (p.His747Arg)

Gene: AXIN2 (axin 2; minus strand). Cytogenetic location: 17q24.1.
Variant type: single nucleotide variant.
Coding change: c.2240A>G on transcript NM_004655.4 (MANE Select); coding-DNA position 2240, A replaced by G.
Protein change: p.His747Arg; replaces histidine 747 with arginine.
Molecular consequence: missense variant.
Genome position (GRCh38, 1-based): chr17:65,534,077, T>C on the plus strand (A>G on the coding strand, the complement: AXIN2 is on the minus strand). VCF-style: chr17-65534077-T-C. GRCh37 (hg19) VCF-style: chr17-63530195-T-C.
Other names: c.2240A>G (LRG_296t1); c.2045A>G, p.His682Arg (NM_001363813.1); short protein forms H747R, H682R.
Identifiers: ClinVar variation 234897 (VCV000234897.22), dbSNP rs62640031, ClinGen allele CA8718341.

ClinVar aggregate classification (germline): Uncertain significance. Review status: criteria provided, multiple submitters, no conflicts (2 of 4 stars). 5 submissions from 5 submitters: Uncertain significance (5). Last evaluated 2026-01-27.

Conditions:
Colorectal cancer. Also called: Malignant Colorectal Neoplasm; Colorectal cancer, somatic. Identifiers: MedGen C0346629, MONDO:0005575, OMIM 114500.
Hereditary cancer-predisposing syndrome. Also called: Hereditary neoplastic syndrome; Hereditary Cancer Syndrome; Neoplastic Syndromes, Hereditary; Tumor predisposition. Identifiers: Orphanet 140162, MedGen C0027672, MeSH D009386, MONDO:0015356.
Oligodontia-cancer predisposition syndrome. Also called: TOOTH AGENESIS-COLORECTAL CANCER SYNDROME. Identifiers: Orphanet 300576, MedGen C1837750, MONDO:0012075, OMIM 608615. Disease mechanism: loss of function.

Allele frequency attached by ClinVar (database versions not stated): ExAC 0.00001; gnomAD exomes 0.00002; gnomAD 0.00003; TOPMed 0.00006.
gnomAD v4.1: 96 of 1,614,060 alleles (0.0059%); highest among the groups gnomAD compares: Non-Finnish European, 0.008%; no homozygotes.

Submissions (5):

Labcorp Genetics (formerly Invitae), Labcorp
Classification: Uncertain significance for Oligodontia-cancer predisposition syndrome. Last evaluated: 2026-01-27. Review status: criteria provided, single submitter. Criteria: Invitae Variant Classification Sherloc (09022015). Collection method: clinical testing. Allele origin: germline.
Comment: This sequence change replaces histidine, which is basic and polar, with arginine, which is basic and polar, at codon 747 of the AXIN2 protein (p.His747Arg). This variant is present in population databases (rs62640031, gnomAD 0.004%). This variant has not been reported in the literature in individuals affected with AXIN2-related conditions. ClinVar contains an entry for this variant (Variation ID: 234897). An algorithm developed to predict the effect of missense changes on protein structure and function (PolyPhen-2) suggests that this variant is likely to be tolerated. In summary, the available evidence is currently insufficient to determine the role of this variant in disease. Therefore, it has been classified as a Variant of Uncertain Significance.

Ambry Genetics
Classification: Uncertain significance for Hereditary cancer-predisposing syndrome. Last evaluated: 2025-07-19. Review status: criteria provided, single submitter. Criteria: Ambry Variant Classification Scheme 2023. Collection method: clinical testing. Allele origin: germline.
Comment: The p.H747R variant (also known as c.2240A>G), located in coding exon 9 of the AXIN2 gene, results from an A to G substitution at nucleotide position 2240. The histidine at codon 747 is replaced by arginine, an amino acid with highly similar properties. In one study, this alteration was detected in 1/1046 familial colorectal cancer cases and was not detected in 1006 controls (Raskin L et al. Oncotarget, 2017 Nov;8:93450-93463). This amino acid position is well conserved in available vertebrate species. In addition, this alteration is predicted to be tolerated by in silico analysis. Since supporting evidence is limited at this time, the clinical significance of this alteration remains unclear.

GeneDx
Classification: Uncertain significance. Last evaluated: 2024-10-21. Review status: criteria provided, single submitter. Criteria: GeneDx Variant Classification Process June 2021. Collection method: clinical testing. Allele origin: germline. Affected: yes.
Comment: Not observed at significant frequency in large population cohorts (gnomAD); In silico analysis indicates that this missense variant does not alter protein structure/function; Observed in at least one individual with colorectal cancer (PMID: 29212164); This variant is associated with the following publications: (PMID: 29212164)

Quest Diagnostics Nichols Institute San Juan Capistrano
Classification: Uncertain significance. Last evaluated: 2024-02-04. Review status: criteria provided, single submitter. Criteria: Quest Diagnostics criteria. Collection method: clinical testing. Allele origin: unknown.
Comment: The AXIN2 c.2240A>G (p.His747Arg) variant has been reported in the published literature in an individual affected with colorectal cancer (PMID: 29212164 (2017)). The frequency of this variant in the general population, 0.000039 (5/129192 chromosomes (Genome Aggregation Database)), is uninformative in the assessment of its pathogenicity. Analysis of this variant using bioinformatics tools for the prediction of the effect of amino acid changes on protein structure and function yielded predictions that this variant is benign. Based on the available information, we are unable to determine the clinical significance of this variant.

Baylor Genetics
Classification: Uncertain significance for Colorectal cancer. Last evaluated: 2023-10-22. Review status: criteria provided, single submitter. Criteria: ACMG Guidelines, 2015. Collection method: clinical testing. Allele origin: unknown.

Literature cited by the submitters: PubMed 29212164 (cited by Ambry Genetics and Quest Diagnostics Nichols Institute San Juan Capistrano).